The following is an entry in ClinVar:

ClinVar aggregate classification (germline): Uncertain significance. Review status: criteria provided, multiple submitters, no conflicts (2 of 4 stars). 2 submissions from 2 submitters: Uncertain significance (2). Last evaluated 2025-05-19.

Conditions:
Inborn genetic diseases. Identifiers: MedGen C0950123, MeSH D030342.

Allele frequency attached by ClinVar (database versions not stated): gnomAD exomes below 0.00001; TOPMed below 0.00001; ExAC 0.00003; 1000 Genomes Project 30x 0.00031; 1000 Genomes Project 0.00040; gnomAD 0.00001.

Submissions (2):

GeneDx
Classification: Uncertain significance. Last evaluated: 2025-05-19. Review status: criteria provided, single submitter. Criteria: GeneDx Variant Classification Process June 2021. Collection method: clinical testing. Allele origin: germline. Affected: yes.
Comment: Not observed at significant frequency in large population cohorts (gnomAD); In silico analysis supports that this missense variant has a deleterious effect on protein structure/function; Has not been previously published as pathogenic or benign to our knowledge

Ambry Genetics
Classification: Uncertain significance for Inborn genetic diseases. Last evaluated: 2023-12-15. Review status: criteria provided, single submitter. Criteria: Ambry Variant Classification Scheme 2023. Collection method: clinical testing. Allele origin: germline.

NM_000193.4(SHH):c.733G>A (p.Asp245Asn)

Gene: SHH (sonic hedgehog signaling molecule; minus strand). Cytogenetic location: 7q36.3.
Variant type: single nucleotide variant.
Coding change: c.733G>A on transcript NM_000193.4 (MANE Select); coding-DNA position 733, G replaced by A.
Protein change: p.Asp245Asn; replaces aspartic acid 245 with asparagine.
Molecular consequence: missense variant. On other transcripts: intron variant (1).
Genome position (GRCh38, 1-based): chr7:155,803,556, C>T on the plus strand (G>A on the coding strand, the complement: SHH is on the minus strand). VCF-style: chr7-155803556-C-T. GRCh37 (hg19) VCF-style: chr7-155596250-C-T.
Other names: c.301+2740G>A (NM_001310462.2); short protein forms D245N.
Identifiers: ClinVar variation 3161691 (VCV003161691.2), dbSNP rs553798627, ClinGen allele CA4586954.